The following is an entry in ClinVar:

NM_147127.5(EVC2):c.1551_1552insTTTCT (p.Gln518fs)

Gene: EVC2 (EvC ciliary complex subunit 2; minus strand). Cytogenetic location: 4p16.2.
Variant type: Insertion.
Coding change: c.1551_1552insTTTCT on transcript NM_147127.5 (MANE Select); coding-DNA positions 1551 to 1552, TTTCT inserted.
Protein change: p.Gln518fs; shifts the reading frame from glutamine 518.
Molecular consequence: frameshift variant.
Genome position: GRCh38 VCF-style: chr4-5631951-G-GAGAAA. GRCh37 (hg19) VCF-style: chr4-5633678-G-GAGAAA.
Other names: c.1311_1312insTTTCT, p.Gln438fs (NM_001166136.2); short protein forms Q438fs, Q518fs.
Identifiers: ClinVar variation 1724566 (VCV001724566.2), dbSNP rs2475407465, ClinGen allele CA2580070767.

ClinVar aggregate classification (germline): Likely pathogenic (1 of 4 stars; one submission).

Conditions:
Ellis-van Creveld syndrome (EVC). Also called: EVC-Related Ellis-van Creveld Syndrome; EVC2-Related Ellis-van Creveld Syndrome; MESOECTODERMAL DYSPLASIA; Chondroectodermal dysplasia. Identifiers: Orphanet 289, MedGen C0013903, MONDO:0009162, OMIM 225500.

Submission:

Myriad Genetics, Inc.
Classification: Likely pathogenic for Ellis-van Creveld syndrome. Last evaluated: 2022-02-19. Review status: criteria provided, single submitter. Criteria: Myriad Women's Health Autosomal Recessive and X-Linked Classification Criteria (2021). Collection method: clinical testing. Allele origin: unknown.
Comment: NM_147127.4(EVC2):c.1551_1552ins5(Q518Ffs*30) is expected to be pathogenic in the context of EVC2-related Ellis-van Creveld syndrome. This variant is predicted to lead to an abnormal or absent protein product due to the creation of a premature termination codon in EVC2, a gene where loss-of-function variants are known to be pathogenic. Please note: this variant was assessed in the context of healthy population screening.